The following is an entry in ClinVar:

NM_001256470.2(PLEKHA5):c.1785C>G (p.Val595=)

Gene: PLEKHA5 (pleckstrin homology domain containing A5; plus strand). Cytogenetic location: 12p12.3.
Variant type: single nucleotide variant.
Coding change: c.1785C>G on transcript NM_001256470.2 (MANE Select); coding-DNA position 1785, C replaced by G.
Protein change: p.Val595=; no amino-acid change (valine 595 retained).
Molecular consequence: synonymous variant. On other transcripts: non-coding transcript variant (6), intron variant (6).
Genome position (GRCh38, 1-based): chr12:19,287,478, C>G. VCF-style: chr12-19287478-C-G. GRCh37 (hg19) VCF-style: chr12-19440412-C-G.
Other names: c.1767C>G, p.Val589= (NM_001143821.3, NM_001385923.1, NM_001385925.1 and 9 more transcripts); c.1443C>G, p.Val481= (NM_001256787.2, NM_001385935.1, NM_001385940.1 and 21 more transcripts); c.1785C>G, p.Val595= (NM_001385924.1, NM_001385926.1, NM_001385929.1 and 3 more transcripts); c.1461C>G, p.Val487= (NM_001385933.1, NM_001385939.1, NM_001385942.1); c.1338C>G, p.Val446= (NM_001385963.1); c.1296C>G, p.Val432= (NM_001385965.1); c.1272C>G, p.Val424= (NM_001385967.1); c.1780-3199C>G (NM_001385927.1); and 2 more.
Identifiers: ClinVar variation 4979286 (VCV004979286.1).

ClinVar aggregate classification (germline): Likely benign (1 of 4 stars; one submission).

Conditions:
PLEKHA5-related disorder. Also called: PLEKHA5-related condition.

gnomAD v4.1: 148 of 1,604,390 alleles (0.0092%); highest among the groups gnomAD compares: East Asian, 0.058%; no homozygotes.

Submission:

PreventionGenetics, part of Exact Sciences
Classification: Likely benign for PLEKHA5-related condition. Last evaluated: 2025-07-15. Review status: criteria provided, single submitter. Criteria: ACMG Guidelines, 2015. Collection method: clinical testing. Allele origin: germline.
Comment: This variant is classified as likely benign based on ACMG/AMP sequence variant interpretation guidelines (Richards et al. 2015 PMID: 25741868, with internal and published modifications).